The following is an entry in ClinVar:

NM_198578.4(LRRK2):c.2602G>A (p.Val868Met)

Gene: LRRK2 (leucine rich repeat kinase 2; plus strand). Cytogenetic location: 12q12.
Variant type: single nucleotide variant.
Coding change: c.2602G>A on transcript NM_198578.4 (MANE Select); coding-DNA position 2602, G replaced by A.
Protein change: p.Val868Met; replaces valine 868 with methionine.
Molecular consequence: missense variant.
Genome position (GRCh38, 1-based): chr12:40,287,452, G>A. VCF-style: chr12-40287452-G-A. GRCh37 (hg19) VCF-style: chr12-40681254-G-A.
Other names: short protein forms V868M.
Identifiers: ClinVar variation 3292050 (VCV003292050.1).

ClinVar aggregate classification (germline): Uncertain significance (1 of 4 stars; one submission).

Conditions:
Inborn genetic diseases. Identifiers: MedGen C0950123, MeSH D030342.

Submission:

Ambry Genetics
Classification: Uncertain significance for Inborn genetic diseases. Last evaluated: 2024-06-02. Review status: criteria provided, single submitter. Criteria: Ambry Variant Classification Scheme 2023. Collection method: clinical testing. Allele origin: germline.
Comment: The p.V868M variant (also known as c.2602G>A), located in coding exon 20 of the LRRK2 gene, results from a G to A substitution at nucleotide position 2602. The valine at codon 868 is replaced by methionine, an amino acid with highly similar properties. This amino acid position is conserved. In addition, this alteration is predicted to be tolerated by in silico analysis. Based on the available evidence, the clinical significance of this variant remains unclear.